The following is an entry in ClinVar:

NM_000059.4(BRCA2):c.8378dup (p.Phe2794fs)

Gene: BRCA2 (BRCA2 DNA repair associated; plus strand). Cytogenetic location: 13q13.1.
Variant type: Duplication.
Coding change: c.8378dup on transcript NM_000059.4 (MANE Select); coding-DNA position 8378, one base duplicated (G; older notation c.8378dupG).
Protein change: p.Phe2794fs; shifts the reading frame from phenylalanine 2794.
Molecular consequence: frameshift variant.
Genome position (GRCh38, 1-based): chr13:32,370,448, G duplicated; the last of 2 consecutive G bases (chr13:32,370,447-32,370,448); duplicating either gives the same sequence. VCF-style (leftmost placement, unchanged base first): chr13-32370446-T-TG. GRCh37 (hg19) VCF-style: chr13-32944583-T-TG.
Other names: c.8282dup, p.Phe2762Ilefs (NM_001406719.1); c.8378dup, p.Phe2794Ilefs (NM_001406720.1); c.3446dup, p.Phe1150Ilefs (NM_001406721.1); c.1961dup, p.Phe655Ilefs (NM_001406722.1); short protein forms F2794fs.
Identifiers: ClinVar variation 1998152 (VCV001998152.4), dbSNP rs2548550023, ClinGen allele CA2580087358.

ClinVar aggregate classification (germline): Pathogenic (1 of 4 stars; one submission).

Conditions:
Hereditary breast ovarian cancer syndrome. Also called: Breast and ovarian cancer; Hereditary breast and ovarian cancer syndrome; BRCA1- and BRCA2-Associated Hereditary Breast and Ovarian Cancer; Hereditary breast and ovarian cancer syndrome (HBOC); Hereditary breast and/or ovarian cancer syndrome; Hereditary breast and ovarian cancer. Identifiers: Orphanet 145, MedGen C0677776, MeSH D061325, MONDO:0003582. Disease mechanism: loss of function.

Submission:

Labcorp Genetics (formerly Invitae), Labcorp
Classification: Pathogenic for Hereditary breast ovarian cancer syndrome. Last evaluated: 2022-12-12. Review status: criteria provided, single submitter. Criteria: Invitae Variant Classification Sherloc (09022015). Collection method: clinical testing. Allele origin: germline.
Comment: This variant has not been reported in the literature in individuals affected with BRCA2-related conditions. This variant is not present in population databases (gnomAD no frequency). This sequence change creates a premature translational stop signal (p.Phe2794Ilefs*4) in the BRCA2 gene. It is expected to result in an absent or disrupted protein product. Loss-of-function variants in BRCA2 are known to be pathogenic (PMID: 20104584). For these reasons, this variant has been classified as Pathogenic.

Literature cited by the submitters: PubMed 20104584.